The following is an entry in ClinVar:

ClinVar aggregate classification (germline): Uncertain significance (1 of 4 stars; one submission).

Conditions:
Hypertrophic cardiomyopathy. Also called: HYPERTROPHIC MYOCARDIOPATHY. Identifiers: Orphanet 217569, MedGen C0007194, MeSH D002312, MONDO:0005045, HP:0001639.

Allele frequency attached by ClinVar (database versions not stated): gnomAD exomes below 0.00001.
gnomAD v4.1: 2 of 1,594,972 alleles (0.00013%); highest among the groups gnomAD compares: Non-Finnish European, 0.00017%; no homozygotes.

Submission:

Labcorp Genetics (formerly Invitae), Labcorp
Classification: Uncertain significance for Hypertrophic cardiomyopathy. Last evaluated: 2023-03-28. Review status: criteria provided, single submitter. Criteria: Invitae Variant Classification Sherloc (09022015). Collection method: clinical testing. Allele origin: germline.
Comment: In summary, the available evidence is currently insufficient to determine the role of this variant in disease. Therefore, it has been classified as a Variant of Uncertain Significance. An algorithm developed to predict the effect of missense changes on protein structure and function (PolyPhen-2) suggests that this variant is likely to be tolerated. This variant has not been reported in the literature in individuals affected with MYOM1-related conditions. This variant is not present in population databases (gnomAD no frequency). This sequence change replaces histidine, which is basic and polar, with aspartic acid, which is acidic and polar, at codon 96 of the MYOM1 protein (p.His96Asp).

NM_003803.4(MYOM1):c.286C>G (p.His96Asp)

Gene: MYOM1 (myomesin 1; minus strand). Cytogenetic location: 18p11.31.
Variant type: single nucleotide variant.
Coding change: c.286C>G on transcript NM_003803.4 (MANE Select); coding-DNA position 286, C replaced by G.
Protein change: p.His96Asp; replaces histidine 96 with aspartic acid.
Molecular consequence: missense variant.
Genome position (GRCh38, 1-based): chr18:3,214,938, G>C on the plus strand (C>G on the coding strand, the complement: MYOM1 is on the minus strand). VCF-style: chr18-3214938-G-C. GRCh37 (hg19) VCF-style: chr18-3214936-G-C.
Other names: c.286C>G, p.His96Asp (NM_019856.2); short protein forms H96D.
Identifiers: ClinVar variation 2725707 (VCV002725707.3), dbSNP rs2510750322, ClinGen allele CA401717916.